The following is an entry in ClinVar:

ClinVar aggregate classification (germline): Uncertain significance (1 of 4 stars; one submission).

Conditions:
Alpha thalassemia-X-linked intellectual disability syndrome (ATRX). Also called: ALPHA-THALASSEMIA/MENTAL RETARDATION SYNDROME, X-LINKED; ATR, NONDELETION TYPE; ATR-X syndrome; Alpha thalassemia mental retardation syndrome, nondeletion type, X-linked; XLMR hypotonic face syndrome; X-linked alpha-thalassemia-mental retardation syndrome. Identifiers: Orphanet 847, MedGen C1845055, MONDO:0010519, OMIM 301040.

Submission:

Labcorp Genetics (formerly Invitae), Labcorp
Classification: Uncertain significance for Alpha thalassemia-X-linked intellectual disability syndrome. Last evaluated: 2022-11-03. Review status: criteria provided, single submitter. Criteria: Invitae Variant Classification Sherloc (09022015). Collection method: clinical testing. Allele origin: germline.
Comment: In summary, the available evidence is currently insufficient to determine the role of this variant in disease. Therefore, it has been classified as a Variant of Uncertain Significance. This variant has not been reported in the literature in individuals affected with ATRX-related conditions. This variant is not present in population databases (gnomAD no frequency). This variant, c.195_196insGTG, results in the insertion of 1 amino acid(s) of the ATRX protein (p.Thr65_Ser66insVal), but otherwise preserves the integrity of the reading frame.

NM_000489.6(ATRX):c.195_196insGTG (p.Thr65_Ser66insVal)

Gene: ATRX (ATRX chromatin remodeler; minus strand). Cytogenetic location: Xq21.1.
Variant type: Insertion.
Coding change: c.195_196insGTG on transcript NM_000489.6 (MANE Select); coding-DNA positions 195 to 196, GTG inserted.
Protein change: p.Thr65_Ser66insVal.
Molecular consequence: inframe insertion.
Genome position: GRCh38 VCF-style: chrX-77697629-T-TCAC. GRCh37 (hg19) VCF-style: chrX-76953117-T-TCAC.
Other names: c.195_196insGTG, p.Thr65_Ser66insVal (NM_138270.5).
Identifiers: ClinVar variation 2093177 (VCV002093177.4), dbSNP rs2520161482, ClinGen allele CA2580101426.
Genomic context (GRCh38, chrX:77,697,629, plus strand): 5'-CAACATCAACCAACCTCTTTGATCGTGACGATCCTGAAGACTTGGATTTTTCTGAAGAGC[T>TCAC]AGTTCCCTAGATGTGAGACATAAATATAAAAGTGAATAAAATTCTCGAAACGGCATCCCT-3'